The following is an entry in ClinVar:

ClinVar aggregate classification (germline): Uncertain significance (1 of 4 stars; one submission).

Submission:

Illumina Laboratory Services, Illumina
Classification: Uncertain significance. Last evaluated: 2022-08-11. Review status: criteria provided, single submitter. Criteria: ICSL CNVClassificationCriteria Aug2020. Collection method: clinical testing. Allele origin: unknown. Affected: yes.
Comment: The CIC c.115A>C (p.Lys39Gln) missense variant results in the substitution of lysine at amino acid position 39 with glutamine. To our knowledge, this variant has not been reported in the peer-reviewed literature. This variant is not found in version 2.1.1 or version 3.1.2 of the Genome Aggregation Database. This variant was identified in a de novo state. Based on the available evidence, the c.115A>C (p.Lys39Gln) variant is classified as a variant of uncertain significance for autosomal dominant intellectual disability.

NM_001386298.1(CIC):c.115A>C (p.Lys39Gln)

Gene: CIC (capicua transcriptional repressor; plus strand). Cytogenetic location: 19q13.2.
Variant type: single nucleotide variant.
Coding change: c.115A>C on transcript NM_001386298.1 (MANE Select); coding-DNA position 115, A replaced by C.
Protein change: p.Lys39Gln; replaces lysine 39 with glutamine.
Molecular consequence: missense variant.
Genome position (GRCh38, 1-based): chr19:42,271,898, A>C. VCF-style: chr19-42271898-A-C. GRCh37 (hg19) VCF-style: chr19-42776050-A-C.
Other names: c.115A>C, p.Lys39Gln (NM_001304815.2, NM_001379480.1, NM_001379482.1 and 1 more transcripts); short protein forms K39Q.
Identifiers: ClinVar variation 2429415 (VCV002429415.3), dbSNP rs2513590260, ClinGen allele CA406078363.